The following is an entry in ClinVar:

ClinVar aggregate classification (germline): Pathogenic (1 of 4 stars; one submission).

Conditions:
Retinoblastoma (RB1). Also called: RETINOBLASTOMA, SOMATIC. Identifiers: Orphanet 790, MedGen C0035335, MeSH D012175, MONDO:0008380, OMIM 180200, HP:0009919. Disease mechanism: loss of function. Inheritance: Both sporadic and heritable forms are tested..

Submission:

Labcorp Genetics (formerly Invitae), Labcorp
Classification: Pathogenic for Retinoblastoma. Last evaluated: 2019-04-12. Review status: criteria provided, single submitter. Criteria: Invitae Variant Classification Sherloc (09022015). Collection method: clinical testing. Allele origin: germline.
Comment: This sequence change creates a premature translational stop signal (p.Asn803Thrfs*7) in the RB1 gene. It is expected to result in an absent or disrupted protein product. This variant is not present in population databases (ExAC no frequency). This variant has not been reported in the literature in individuals with RB1-related conditions. Loss-of-function variants in RB1 are known to be pathogenic (PMID: 17096365). For these reasons, this variant has been classified as Pathogenic.

NM_000321.3(RB1):c.2408del (p.Asn803fs)

Gene: RB1 (RB transcriptional corepressor 1; plus strand). Cytogenetic location: 13q14.2.
Variant type: Deletion.
Coding change: c.2408del on transcript NM_000321.3 (MANE Select); coding-DNA position 2408, one base deleted (A; older notation c.2408delA).
Protein change: p.Asn803fs; shifts the reading frame from asparagine 803.
Molecular consequence: frameshift variant.
Genome position (GRCh38, 1-based): chr13:48,465,287, A deleted; the last of 2 consecutive A bases (chr13:48,465,286-48,465,287); deleting either gives the same sequence. VCF-style (leftmost placement, unchanged base first): chr13-48465285-GA-G. GRCh37 (hg19) VCF-style: chr13-49039421-GA-G.
Other names: short protein forms N803fs.
Identifiers: ClinVar variation 836098 (VCV000836098.1), dbSNP rs1949433098, ClinGen allele CA916081697.